The following is an entry in ClinVar:

ClinVar aggregate classification (germline): Uncertain significance. Review status: criteria provided, multiple submitters, no conflicts (2 of 4 stars). 2 submissions from 2 submitters: Uncertain significance (2). Last evaluated 2026-03-27.

Conditions:
Inborn genetic diseases. Identifiers: MedGen C0950123, MeSH D030342.

Allele frequency attached by ClinVar (database versions not stated): gnomAD exomes below 0.00001.

Submissions (2):

Ambry Genetics
Classification: Uncertain significance for Inborn genetic diseases. Last evaluated: 2026-03-27. Review status: criteria provided, single submitter. Criteria: Ambry Variant Classification Scheme 2023. Collection method: clinical testing. Allele origin: germline.

GeneDx
Classification: Uncertain significance. Last evaluated: 2021-11-15. Review status: criteria provided, single submitter. Criteria: GeneDx Variant Classification Process June 2021. Collection method: clinical testing. Allele origin: germline. Affected: yes.
Comment: In silico analysis supports that this missense variant does not alter protein structure/function; Has not been previously published as pathogenic or benign to our knowledge

NM_001372044.2(SHANK3):c.5209C>G (p.Gln1737Glu)

Gene: SHANK3 (SH3 and multiple ankyrin repeat domains 3; plus strand). Cytogenetic location: 22q13.33.
Variant type: single nucleotide variant.
Coding change: c.5209C>G on transcript NM_001372044.2 (MANE Select); coding-DNA position 5209, C replaced by G.
Protein change: p.Gln1737Glu; replaces glutamine 1737 with glutamic acid.
Molecular consequence: missense variant.
Genome position (GRCh38, 1-based): chr22:50,731,100, C>G. VCF-style: chr22-50731100-C-G. GRCh37 (hg19) VCF-style: chr22-51169528-C-G.
Other names: c.4984C>G (NM_033517.1); short protein forms Q1737E.
Identifiers: ClinVar variation 1313224 (VCV001313224.4), dbSNP rs1294272918, ClinGen allele CA515267570.